The following is an entry in ClinVar:

ClinVar aggregate classification (germline): Uncertain significance (1 of 4 stars; one submission).

Conditions:
Inborn genetic diseases. Identifiers: MedGen C0950123, MeSH D030342.

Submission:

Ambry Genetics
Classification: Uncertain significance for Inborn genetic diseases. Last evaluated: 2025-07-19. Review status: criteria provided, single submitter. Criteria: Ambry Variant Classification Scheme 2023. Collection method: clinical testing. Allele origin: germline.
Comment: The p.V1053I variant (also known as c.3157G>A), located in coding exon 13 of the ASXL1 gene, results from a G to A substitution at nucleotide position 3157. The valine at codon 1053 is replaced by isoleucine, an amino acid with highly similar properties. This amino acid position is conserved. In addition, this alteration is predicted to be tolerated by in silico analysis. Based on the available evidence, the clinical significance of this variant remains unclear.

NM_015338.6(ASXL1):c.3157G>A (p.Val1053Ile)

Gene: ASXL1 (ASXL transcriptional regulator 1; plus strand). Cytogenetic location: 20q11.21.
Variant type: single nucleotide variant.
Coding change: c.3157G>A on transcript NM_015338.6 (MANE Select); coding-DNA position 3157, G replaced by A.
Protein change: p.Val1053Ile; replaces valine 1053 with isoleucine.
Molecular consequence: missense variant.
Genome position (GRCh38, 1-based): chr20:32,435,869, G>A. VCF-style: chr20-32435869-G-A. GRCh37 (hg19) VCF-style: chr20-31023672-G-A.
Other names: c.2974G>A, p.Val992Ile (NM_001363734.1); short protein forms V1053I, V992I.
Identifiers: ClinVar variation 4158319 (VCV004158319.1).